The following is an entry in ClinVar:

NM_024642.5(GALNT12):c.344G>T (p.Arg115Leu)

Gene: GALNT12 (polypeptide N-acetylgalactosaminyltransferase 12; plus strand). Cytogenetic location: 9q22.33.
Variant type: single nucleotide variant.
Coding change: c.344G>T on transcript NM_024642.5 (MANE Select); coding-DNA position 344, G replaced by T.
Protein change: p.Arg115Leu; replaces arginine 115 with leucine.
Molecular consequence: missense variant.
Genome position (GRCh38, 1-based): chr9:98,808,042, G>T. VCF-style: chr9-98808042-G-T. GRCh37 (hg19) VCF-style: chr9-101570324-G-T.
Other names: short protein forms R115L.
Identifiers: ClinVar variation 3227949 (VCV003227949.1), dbSNP rs2118258368, ClinGen allele CA374223079.

ClinVar aggregate classification (germline): Uncertain significance (1 of 4 stars; one submission).

gnomAD v4.1: 1 of 1,580,358 alleles (0.000063%); no homozygotes.

Submission:

Ambry Genetics
Classification: Uncertain significance. Last evaluated: 2023-11-10. Review status: criteria provided, single submitter. Criteria: Ambry Variant Classification Scheme 2023. Collection method: clinical testing. Allele origin: germline.
Comment: The p.R115L variant (also known as c.344G>T), located in coding exon 1 of the GALNT12 gene, results from a G to T substitution at nucleotide position 344. The arginine at codon 115 is replaced by leucine, an amino acid with dissimilar properties. This amino acid position is conserved. In addition, this alteration is predicted to be deleterious by in silico analysis. Since supporting evidence is limited at this time, the clinical significance of this alteration remains unclear.